The following is an entry in ClinVar:

NM_001114753.3(ENG):c.578C>A (p.Thr193Lys)

Gene: ENG (endoglin; minus strand). Cytogenetic location: 9q34.11.
Variant type: single nucleotide variant.
Coding change: c.578C>A on transcript NM_001114753.3 (MANE Select); coding-DNA position 578, C replaced by A.
Protein change: p.Thr193Lys; replaces threonine 193 with lysine.
Molecular consequence: missense variant.
Genome position (GRCh38, 1-based): chr9:127,825,806, G>T on the plus strand (C>A on the coding strand, the complement: ENG is on the minus strand). VCF-style: chr9-127825806-G-T. GRCh37 (hg19) VCF-style: chr9-130588085-G-T.
Other names: c.578C>A, p.Thr193Lys (NM_000118.4, NM_001406715.1); c.32C>A, p.Thr11Lys (NM_001278138.2); short protein forms T11K, T193K.
Identifiers: ClinVar variation 4824970 (VCV004824970.1).
Genomic context (GRCh38, chr9:127,825,806, plus strand): 5'-GCCACGCCTTCCAAGTGGCAGCCCCGGACCAAGGCTGGAGTACGCGGCCGCCACTCGAGC[G>T]TGCGGCCCATGTCCTGGCTGGCTTCCAGCATGCAGAAGGACAGTGACCCCTGGGCTGCAG-3'
Protein context (NP_001108225.1, residues 183-203): MLEASQDMGR[Thr193Lys]LEWRPRTPAL

ClinVar aggregate classification (germline): Uncertain significance (1 of 4 stars; one submission).

Conditions:
Cardiovascular phenotype. Identifiers: MedGen CN230736.

gnomAD v4.1: 3 of 1,597,198 alleles (0.00019%); highest among the groups gnomAD compares: African/African-American, 0.0013%; no homozygotes.

Submission:

Ambry Genetics
Classification: Uncertain significance for Cardiovascular phenotype. Last evaluated: 2026-01-18. Review status: criteria provided, single submitter. Criteria: Ambry Variant Classification Scheme 2023. Collection method: clinical testing. Allele origin: germline.
Comment: The p.T193K variant (also known as c.578C>A), located in coding exon 5 of the ENG gene, results from a C to A substitution at nucleotide position 578. The threonine at codon 193 is replaced by lysine, an amino acid with similar properties. This amino acid position is conserved. In addition, this alteration is predicted to be tolerated by in silico analysis. Based on the available evidence, the clinical significance of this variant remains unclear.